The following is an entry in ClinVar:

NM_000098.3(CPT2):c.144C>G (p.Ser48Arg)

Genes: CPT2 (carnitine palmitoyltransferase 2; plus strand), LOC129930561 (ATAC-STARR-seq lymphoblastoid silent region 902; plus strand). Cytogenetic location: 1p32.3.
Variant type: single nucleotide variant.
Coding change: c.144C>G on transcript NM_000098.3 (MANE Select); coding-DNA position 144, C replaced by G.
Protein change: p.Ser48Arg; replaces serine 48 with arginine.
Molecular consequence: missense variant.
Genome position (GRCh38, 1-based): chr1:53,197,087, C>G. VCF-style: chr1-53197087-C-G. GRCh37 (hg19) VCF-style: chr1-53662759-C-G.
Other names: c.144C>G, p.Ser48Arg (NM_001330589.2); short protein forms S48R.
Identifiers: ClinVar variation 2846738 (VCV002846738.3), dbSNP rs2100255084, ClinGen allele CA340388843.

ClinVar aggregate classification (germline): Uncertain significance (1 of 4 stars; one submission).

Conditions:
Carnitine palmitoyltransferase II deficiency. Also called: Carnitine Palmitoyltransferase 2 Deficiency. Identifiers: Orphanet 157, MedGen C0342790, MONDO:0015515.

Submission:

Labcorp Genetics (formerly Invitae), Labcorp
Classification: Uncertain significance for Carnitine palmitoyltransferase II deficiency. Last evaluated: 2023-04-27. Review status: criteria provided, single submitter. Criteria: Invitae Variant Classification Sherloc (09022015). Collection method: clinical testing. Allele origin: germline.
Comment: In summary, the available evidence is currently insufficient to determine the role of this variant in disease. Therefore, it has been classified as a Variant of Uncertain Significance. Advanced modeling of protein sequence and biophysical properties (such as structural, functional, and spatial information, amino acid conservation, physicochemical variation, residue mobility, and thermodynamic stability) performed at Invitae indicates that this missense variant is expected to disrupt CPT2 protein function. This variant has not been reported in the literature in individuals affected with CPT2-related conditions. This variant is not present in population databases (gnomAD no frequency). This sequence change replaces serine, which is neutral and polar, with arginine, which is basic and polar, at codon 48 of the CPT2 protein (p.Ser48Arg).